The following is an entry in ClinVar:

NM_001291303.3(FAT4):c.9451G>A (p.Ala3151Thr)

Gene: FAT4 (FAT atypical cadherin 4; plus strand). Cytogenetic location: 4q28.1.
Variant type: single nucleotide variant.
Coding change: c.9451G>A on transcript NM_001291303.3 (MANE Select); coding-DNA position 9451, G replaced by A.
Protein change: p.Ala3151Thr; replaces alanine 3151 with threonine.
Molecular consequence: missense variant.
Genome position (GRCh38, 1-based): chr4:125,450,461, G>A. VCF-style: chr4-125450461-G-A. GRCh37 (hg19) VCF-style: chr4-126371616-G-A.
Other names: c.9451G>A, p.Ala3151Thr (NM_001291285.3); c.9445G>A, p.Ala3149Thr (NM_024582.6); short protein forms A3149T, A3151T.
Identifiers: ClinVar variation 1165453 (VCV001165453.13), dbSNP rs200702071, ClinGen allele CA3073528.

ClinVar aggregate classification (germline): Conflicting classifications of pathogenicity. Review status: criteria provided, conflicting classifications (1 of 4 stars). 5 submissions from 5 submitters: Uncertain significance (1); Benign (1); Likely benign (3). Last evaluated 2026-02-01.

Conditions:
Inborn genetic diseases. Identifiers: MedGen C0950123, MeSH D030342.
Van Maldergem syndrome 2 (VMLDS2). Identifiers: Orphanet 314679, MedGen C3809875, MONDO:0014242, OMIM 615546.
Hennekam lymphangiectasia-lymphedema syndrome 2 (HKLLS2). Identifiers: Orphanet 2136, MedGen C4014939, MONDO:0014454, OMIM 616006.

Allele frequency attached by ClinVar (database versions not stated): gnomAD 0.00011 and 0.00027; TOPMed 0.00025; gnomAD exomes 0.00061 and 0.00109; ExAC 0.00102; 1000 Genomes Project 30x 0.00109; 1000 Genomes Project 0.00120.
gnomAD v4.1: 924 of 1,614,010 alleles (0.057%); highest among the groups gnomAD compares: South Asian, 0.72%; 11 homozygotes.

Submissions (5):

Labcorp Genetics (formerly Invitae), Labcorp
Classification: Benign. Last evaluated: 2026-02-01. Review status: criteria provided, single submitter. Criteria: Invitae Variant Classification Sherloc (09022015). Collection method: clinical testing. Allele origin: germline.

Blueprint Genetics
Classification: Likely benign. Last evaluated: 2024-11-21. Review status: criteria provided, single submitter. Criteria: ACMG Guidelines, 2015. Collection method: clinical testing. Allele origin: germline.

Ambry Genetics
Classification: Likely benign for Inborn genetic diseases. Last evaluated: 2024-07-25. Review status: criteria provided, single submitter. Criteria: Ambry Variant Classification Scheme 2023. Collection method: clinical testing. Allele origin: germline.

Center for Genomics, Ann and Robert H. Lurie Children's Hospital of Chicago
Classification: Uncertain significance for Hennekam lymphangiectasia-lymphedema syndrome 2; Van Maldergem syndrome 2. Last evaluated: 2021-03-17. Review status: criteria provided, single submitter. Criteria: ACMG Guidelines, 2015. Collection method: clinical testing. Allele origin: germline.
Comment: FAT4 NM_024582.4 exon 9 p.Ala3149Thr (c.9445G>A): This variant has not been reported in the literature but is present in 0.03% (5/15258) of Latino alleles, as well as 1 homozygote in South Asian alleles in the Genome Aggregation Database. Evolutionary conservation and computational predictive tools suggest that this variant may impact the protein. In summary, data on this variant is insufficient for disease classification. Therefore, the clinical significance of this variant is uncertain.

GeneDx
Classification: Likely benign. Last evaluated: 2018-12-21. Review status: criteria provided, single submitter. Criteria: GeneDx Variant Classification Process June 2021. Collection method: clinical testing. Allele origin: germline. Affected: yes.